The following is an entry in ClinVar:

NM_007294.4(BRCA1):c.80+3724C>G

Genes: BRCA1 (BRCA1 DNA repair associated; minus strand), LOC110485084 (BRCA1 intronic recombination region; plus strand). Cytogenetic location: 17q21.31.
Variant type: single nucleotide variant.
Coding change: c.80+3724C>G on transcript NM_007294.4 (MANE Select); 3724 bases into the intron after coding-DNA position 80, C replaced by G.
Molecular consequence: intron variant.
Genome position (GRCh38, 1-based): chr17:43,120,293, G>C on the plus strand (C>G on the coding strand, the complement: BRCA1 is on the minus strand). VCF-style: chr17-43120293-G-C. GRCh37 (hg19) VCF-style: chr17-41272310-G-C.
Other names: IVS 2+3724C>G; c.-61-4514C>G (NM_001408458.1, NM_001408470.1, NM_001407848.1 and 16 more transcripts); c.-219+4984C>G (NM_001407967.1); c.-170+4984C>G (NM_001407959.1); c.-8+4984C>G (NM_001407931.1, NM_001407747.1); c.-223-4514C>G (NM_001407962.1, NM_001408512.1, NM_001408510.1 and 1 more transcripts); c.-108-4514C>G (NM_001407885.1, NM_001407896.1); c.-177-4514C>G (NM_001407746.1); and 19 more.
Identifiers: ClinVar variation 209555 (VCV000209555.2), dbSNP rs116806238, ClinGen allele CA276524.

ClinVar aggregate classification (germline): Benign (3 of 4 stars; one submission).

Conditions:
Breast-ovarian cancer, familial, susceptibility to, 1 (BROVCA1). Also called: BRCA1 Hereditary Breast and Ovarian Cancer; OVARIAN CANCER, SUSCEPTIBILITY TO. Identifiers: Orphanet 145, MedGen C2676676, MONDO:0011450, OMIM 604370. Disease mechanism: loss of function.

Allele frequency attached by ClinVar (database versions not stated): gnomAD 0.00349 and 0.00384; TOPMed 0.00389; 1000 Genomes Project 0.00419; 1000 Genomes Project 30x 0.00515.
gnomAD v4.1: 532 of 152,308 alleles (0.35%); highest among the groups gnomAD compares: African/African-American, 1.2%; 2 homozygotes.

Submission:

Evidence-based Network for the Interpretation of Germline Mutant Alleles (ENIGMA)
Classification: Benign for Breast-ovarian cancer, familial 1. Last evaluated: 2015-01-12. Review status: reviewed by expert panel. Criteria: ENIGMA BRCA1/2 Classification Criteria (2015). Collection method: curation. Allele origin: germline.
Comment: Class 1 not pathogenic based on frequency >1% in an outbred sampleset. Frequency 0.02033 (African), derived from 1000 genomes (2012-04-30).